The following is an entry in ClinVar:

NM_000059.4(BRCA2):c.7977-189T>C

Gene: BRCA2 (BRCA2 DNA repair associated; plus strand). Cytogenetic location: 13q13.1.
Variant type: single nucleotide variant.
Coding change: c.7977-189T>C on transcript NM_000059.4 (MANE Select); 189 bases into the intron before coding-DNA position 7977, T replaced by C.
Molecular consequence: intron variant.
Genome position (GRCh38, 1-based): chr13:32,362,990, T>C. VCF-style: chr13-32362990-T-C. GRCh37 (hg19) VCF-style: chr13-32937127-T-C.
Identifiers: ClinVar variation 223593 (VCV000223593.4), dbSNP rs770062599, ClinGen allele CA274578.

ClinVar aggregate classification (germline): Likely benign. Review status: criteria provided, single submitter (1 of 4 stars). 2 submissions from 2 submitters: Likely benign (1). 1 of the submissions does not count toward it. Last evaluated 2026-04-17.

Conditions:
Inherited breast cancer and ovarian cancer.
Hereditary cancer-predisposing syndrome. Also called: Hereditary neoplastic syndrome; Neoplastic Syndromes, Hereditary; Tumor predisposition; Hereditary Cancer Syndrome. Identifiers: Orphanet 140162, MedGen C0027672, MeSH D009386, MONDO:0015356.

Allele frequency attached by ClinVar (database versions not stated): gnomAD 0.00021 and 0.00024; TOPMed 0.00025.
gnomAD v4.1: 32 of 152,214 alleles (0.021%); highest among the groups gnomAD compares: Admixed American, 0.039%; no homozygotes.

Submissions (2):

Cambridge Genomics Laboratory, East Genomic Laboratory Hub, NHS Genomic Medicine Service
Classification: Likely benign for Inherited breast cancer and ovarian cancer. Last evaluated: 2026-04-17. Review status: criteria provided, single submitter. Criteria: ACGS Best Practice Guidelines for Variant Classification in Rare Disease 2020. Collection method: clinical testing. Allele origin: germline. Affected: yes.
Comment: BS1_Strong,BP4

University of Washington Department of Laboratory Medicine, University of Washington
Classification: Likely benign for Hereditary cancer-predisposing syndrome. Last evaluated: 2015-12-01. Review status: no assertion criteria provided. Collection method: clinical testing. Allele origin: germline. Affected: yes. Not counted in ClinVar's aggregate classification.